The following is an entry in ClinVar:

NM_000492.4(CFTR):c.1570T>C (p.Cys524Arg)

Genes: CFTR (CF transmembrane conductance regulator; plus strand), CFTR-AS1 (CFTR antisense RNA 1; minus strand). Cytogenetic location: 7q31.2.
Variant type: single nucleotide variant.
Coding change: c.1570T>C on transcript NM_000492.4 (MANE Select); coding-DNA position 1570, T replaced by C.
Protein change: p.Cys524Arg; replaces cysteine 524 with arginine.
Molecular consequence: missense variant.
Genome position (GRCh38, 1-based): chr7:117,559,641, T>C. VCF-style: chr7-117559641-T-C. GRCh37 (hg19) VCF-style: chr7-117199695-T-C.
Other names: short protein forms C524R.
Identifiers: ClinVar variation 659442 (VCV000659442.20), dbSNP rs368516826, ClinGen allele CA164967837.

ClinVar aggregate classification (germline): Conflicting classifications of pathogenicity. Review status: criteria provided, conflicting classifications (1 of 4 stars). 5 submissions from 5 submitters: Likely pathogenic (2); Uncertain significance (2). 1 of the submissions does not count toward it. Last evaluated 2025-06-18.

Conditions:
Cystic fibrosis (CF). Also called: MUCOVISCIDOSIS. Identifiers: Orphanet 586, MedGen C0010674, MONDO:0009061, OMIM 219700. Disease mechanism: loss of function.

Allele frequency attached by ClinVar (database versions not stated): TOPMed 0.00001; gnomAD 0.00002; ESP Exome Variant Server 0.00008; gnomAD exomes 0.00001.

Submissions (5):

Women's Health and Genetics/Laboratory Corporation of America, LabCorp
Classification: Likely pathogenic for Cystic fibrosis. Last evaluated: 2025-06-18. Review status: criteria provided, single submitter. Criteria: LabCorp Variant Classification Summary - May 2015. Collection method: clinical testing. Allele origin: germline.
Comment: Variant summary: CFTR c.1570T>C (p.Cys524Arg) results in a non-conservative amino acid change located in the ABC transporter-like domain (IPR003439) of the encoded protein sequence. Algorithms developed to predict the effect of missense changes on protein structure and function all suggest that this variant is likely to be disruptive. The variant allele was found at a frequency of 8e-06 in 251004 control chromosomes. c.1570T>C has been observed in individual(s) affected with Cystic Fibrosis (e.g. Raraigh_2022, internal data). At least one publication reports experimental evidence evaluating an impact on protein function. The most pronounced variant effect resulted in <1% of normal chloride channel conductance relative to wild type (e.g., Bihler_2024). The following publications have been ascertained in the context of this evaluation (PMID: 34782259, 38388235). ClinVar contains an entry for this variant (Variation ID: 659442). Based on the evidence outlined above, the variant was classified as likely pathogenic.

Genome-Nilou Lab
Classification: Uncertain significance for Cystic fibrosis. Last evaluated: 2021-09-05. Review status: criteria provided, single submitter. Criteria: ACMG Guidelines, 2015. Collection method: clinical testing. Allele origin: germline. Affected: no.

Labcorp Genetics (formerly Invitae), Labcorp
Classification: Uncertain significance for Cystic fibrosis. Last evaluated: 2021-03-23. Review status: criteria provided, single submitter. Criteria: Invitae Variant Classification Sherloc (09022015). Collection method: clinical testing. Allele origin: germline.
Comment: In summary, the available evidence is currently insufficient to determine the role of this variant in disease. Therefore, it has been classified as a Variant of Uncertain Significance. This variant disrupts the p.Cys524 amino acid residue in CFTR. Other variant(s) that disrupt this residue have been observed in individuals with CFTR-related conditions (PMID: 24433235), which suggests that this may be a clinically significant amino acid residue. Algorithms developed to predict the effect of missense changes on protein structure and function (SIFT, PolyPhen-2, Align-GVGD) all suggest that this variant is likely to be disruptive, but these predictions have not been confirmed by published functional studies and their clinical significance is uncertain. This variant has been observed in individual(s) with clinical features of cystic fibrosis (Invitae). ClinVar contains an entry for this variant (Variation ID: 659442). This variant is not present in population databases (ExAC no frequency). This sequence change replaces cysteine with arginine at codon 524 of the CFTR protein (p.Cys524Arg). The cysteine residue is highly conserved and there is a large physicochemical difference between cysteine and arginine.

Ambry Genetics
Classification: Likely pathogenic for Cystic fibrosis. Last evaluated: 2021-03-15. Review status: criteria provided, single submitter. Criteria: Ambry Variant Classification Scheme 2023. Collection method: clinical testing. Allele origin: germline.
Comment: The p.C524R variant (also known as c.1570T>C), located in coding exon 11 of the CFTR gene, results from a T to C substitution at nucleotide position 1570. The cysteine at codon 524 is replaced by arginine, an amino acid with highly dissimilar properties. In our internal cohort, this variant has been identified in individuals with elevated sweat chloride levels with a second CFTR variant (Ambry internal data). Based on internal structural analysis, this variant is anticipated to result in a significant decrease in structural stability (Atwell S et al. Protein Eng. Des. Sel., 2010 May;23:375-84). In addition, a disease-causing alteration, p.C524Y, has been described in the same codon (Puzik A et al. BMC Pediatr, 2014 Jan;14:13). This variant was not reported in the ExAC database, with coverage at this position. This amino acid position is highly conserved in available vertebrate species. In addition, this alteration is predicted to be deleterious by in silico analysis. Based on the majority of available evidence to date, this variant is likely to be pathogenic.

Natera, Inc.
Classification: Uncertain significance for Cystic Fibrosis. Last evaluated: 2020-09-16. Review status: no assertion criteria provided. Collection method: clinical testing. Allele origin: germline. Not counted in ClinVar's aggregate classification.

Literature cited by the submitters: PubMed 34782259 (cited by Women's Health and Genetics/Laboratory Corporation of America, LabCorp); PubMed 38388235 (cited by Women's Health and Genetics/Laboratory Corporation of America, LabCorp); PubMed 24433235 (cited by Labcorp Genetics (formerly Invitae), Labcorp and Ambry Genetics); PubMed 20150177 (cited by Ambry Genetics).